The following is an entry in ClinVar:

NM_183357.3(ADCY5):c.2900+2T>G

Gene: ADCY5 (adenylate cyclase 5; minus strand). Cytogenetic location: 3q21.1.
Variant type: single nucleotide variant.
Coding change: c.2900+2T>G on transcript NM_183357.3 (MANE Select); the canonical splice donor site of the intron after coding-DNA position 2900, T replaced by G.
Molecular consequence: splice donor variant.
Genome position (GRCh38, 1-based): chr3:123,300,118, A>C on the plus strand (T>G on the coding strand, the complement: ADCY5 is on the minus strand). VCF-style: chr3-123300118-A-C. GRCh37 (hg19) VCF-style: chr3-123018965-A-C.
Other names: c.2900+2T>G (NM_001378259.1); c.1850+2T>G (NM_001199642.1).
Identifiers: ClinVar variation 2142220 (VCV002142220.1), dbSNP rs2472682698, ClinGen allele CA354224558.

ClinVar aggregate classification (germline): Likely pathogenic (1 of 4 stars; one submission).

Submission:

Labcorp Genetics (formerly Invitae), Labcorp
Classification: Likely pathogenic. Last evaluated: 2022-06-27. Review status: criteria provided, single submitter. Criteria: Invitae Variant Classification Sherloc (09022015). Collection method: clinical testing. Allele origin: germline.
Comment: This sequence change affects a donor splice site in intron 15 of the ADCY5 gene. It is expected to disrupt RNA splicing. Variants that disrupt the donor or acceptor splice site typically lead to a loss of protein function (PMID: 16199547), and loss-of-function variants in ADCY5 are known to be pathogenic (PMID: 28971144, 34631954). This variant is not present in population databases (gnomAD no frequency). This variant has not been reported in the literature in individuals affected with ADCY5-related conditions. Algorithms developed to predict the effect of sequence changes on RNA splicing suggest that this variant may disrupt the consensus splice site. In summary, the currently available evidence indicates that the variant is pathogenic, but additional data are needed to prove that conclusively. Therefore, this variant has been classified as Likely Pathogenic.

Literature cited by the submitters: PubMed 16199547; PubMed 28971144; PubMed 34631954.